The following is an entry in ClinVar:

ClinVar aggregate classification (germline): Uncertain significance (1 of 4 stars; one submission).

Conditions:
Oxoglutaricaciduria. Identifiers: Orphanet 31, MedGen C2752074, MONDO:0008759, OMIM 203740.

Submission:

Labcorp Genetics (formerly Invitae), Labcorp
Classification: Uncertain significance for Oxoglutaricaciduria. Last evaluated: 2022-10-12. Review status: criteria provided, single submitter. Criteria: Invitae Variant Classification Sherloc (09022015). Collection method: clinical testing. Allele origin: germline.
Comment: In summary, the available evidence is currently insufficient to determine the role of this variant in disease. Therefore, it has been classified as a Variant of Uncertain Significance. Advanced modeling of protein sequence and biophysical properties (such as structural, functional, and spatial information, amino acid conservation, physicochemical variation, residue mobility, and thermodynamic stability) performed at Invitae indicates that this missense variant is not expected to disrupt OGDH protein function. This variant has not been reported in the literature in individuals affected with OGDH-related conditions. This variant is not present in population databases (gnomAD no frequency). This sequence change replaces arginine, which is basic and polar, with lysine, which is basic and polar, at codon 257 of the OGDH protein (p.Arg257Lys).

NM_002541.4(OGDH):c.770G>A (p.Arg257Lys)

Gene: OGDH (oxoglutarate dehydrogenase; plus strand). Cytogenetic location: 7p13.
Variant type: single nucleotide variant.
Coding change: c.770G>A on transcript NM_002541.4 (MANE Select); coding-DNA position 770, G replaced by A.
Protein change: p.Arg257Lys; replaces arginine 257 with lysine.
Molecular consequence: missense variant.
Genome position (GRCh38, 1-based): chr7:44,673,923, G>A. VCF-style: chr7-44673923-G-A. GRCh37 (hg19) VCF-style: chr7-44713522-G-A.
Other names: c.770G>A, p.Arg257Lys (NM_001003941.3); c.758G>A, p.Arg253Lys (NM_001165036.2); c.803G>A, p.Arg268Lys (NM_001363523.2); short protein forms R257K, R268K, R253K.
Identifiers: ClinVar variation 1898873 (VCV001898873.5), dbSNP rs2484846207, ClinGen allele CA367409303.